The following is an entry in ClinVar:

ClinVar aggregate classification (germline): Uncertain significance. Review status: criteria provided, multiple submitters, no conflicts (2 of 4 stars). 2 submissions from 2 submitters: Uncertain significance (2). Last evaluated 2025-12-04.

Conditions:
Inborn genetic diseases. Identifiers: MedGen C0950123, MeSH D030342.

Allele frequency attached by ClinVar (database versions not stated): gnomAD exomes below 0.00001; gnomAD 0.00001.
gnomAD v4.1: 7 of 1,595,072 alleles (0.00044%); highest among the groups gnomAD compares: Middle Eastern, 0.017%; no homozygotes.

Submissions (2):

Ambry Genetics
Classification: Uncertain significance for Inborn genetic diseases. Last evaluated: 2025-12-04. Review status: criteria provided, single submitter. Criteria: Ambry Variant Classification Scheme 2023. Collection method: clinical testing. Allele origin: germline.

Labcorp Genetics (formerly Invitae), Labcorp
Classification: Uncertain significance. Last evaluated: 2022-09-23. Review status: criteria provided, single submitter. Criteria: Invitae Variant Classification Sherloc (09022015). Collection method: clinical testing. Allele origin: germline.
Comment: This variant has not been reported in the literature in individuals affected with MME-related conditions. In summary, the available evidence is currently insufficient to determine the role of this variant in disease. Therefore, it has been classified as a Variant of Uncertain Significance. Advanced modeling of protein sequence and biophysical properties (such as structural, functional, and spatial information, amino acid conservation, physicochemical variation, residue mobility, and thermodynamic stability) performed at Invitae indicates that this missense variant is not expected to disrupt MME protein function. ClinVar contains an entry for this variant (Variation ID: 1400485). The frequency data for this variant in the population databases is considered unreliable, as metrics indicate poor data quality at this position in the gnomAD database. This sequence change replaces isoleucine, which is neutral and non-polar, with methionine, which is neutral and non-polar, at codon 237 of the MME protein (p.Ile237Met).

NM_007289.4(MME):c.711C>G (p.Ile237Met)

Gene: MME (membrane metalloendopeptidase; plus strand). Cytogenetic location: 3q25.2.
Variant type: single nucleotide variant.
Coding change: c.711C>G on transcript NM_007289.4 (MANE Select); coding-DNA position 711, C replaced by G.
Protein change: p.Ile237Met; replaces isoleucine 237 with methionine.
Molecular consequence: missense variant.
Genome position (GRCh38, 1-based): chr3:155,118,802, C>G. VCF-style: chr3-155118802-C-G. GRCh37 (hg19) VCF-style: chr3-154836591-C-G.
Other names: c.711C>G, p.Ile237Met (NM_000902.5, NM_001354642.2, NM_001354643.1 and 2 more transcripts); c.711C>G (NM_007289.2); short protein forms I237M.
Identifiers: ClinVar variation 1400485 (VCV001400485.9), dbSNP rs745768263, ClinGen allele CA355128505.